The following is an entry in ClinVar:

ClinVar aggregate classification (germline): Likely benign (1 of 4 stars; one submission).

gnomAD v4.1: 1 of 1,612,814 alleles (0.000062%); highest among the groups gnomAD compares: Non-Finnish European, 0.000085%; no homozygotes.

Submission:

CeGaT Center for Human Genetics Tuebingen
Classification: Likely benign. Last evaluated: 2026-06-01. Review status: criteria provided, single submitter. Criteria: CeGaT Center For Human Genetics Tuebingen Variant Classification Criteria Version 2. Collection method: clinical testing. Allele origin: germline. Affected: yes. Observed: 1 variant allele.
Comment: CIC: BP4

NM_001386298.1(CIC):c.6616C>T (p.Pro2206Ser)

Gene: CIC (capicua transcriptional repressor; plus strand). Cytogenetic location: 19q13.2.
Variant type: single nucleotide variant.
Coding change: c.6616C>T on transcript NM_001386298.1 (MANE Select); coding-DNA position 6616, C replaced by T.
Protein change: p.Pro2206Ser; replaces proline 2206 with serine.
Molecular consequence: missense variant.
Genome position (GRCh38, 1-based): chr19:42,293,685, C>T. VCF-style: chr19-42293685-C-T. GRCh37 (hg19) VCF-style: chr19-42797837-C-T.
Other names: c.6616C>T, p.Pro2206Ser (NM_001304815.2, NM_001379482.1, NM_001439183.1 and 2 more transcripts); c.6613C>T, p.Pro2205Ser (NM_001379480.1, NM_001439184.1, NM_001439185.1 and 1 more transcripts); c.3889C>T, p.Pro1297Ser (NM_001379484.1, NM_001379485.1, NM_001439190.1 and 1 more transcripts); c.3886C>T, p.Pro1296Ser (NM_001439189.1, NM_001439191.1); short protein forms P1296S, P1297S, P2205S, P2206S.
Identifiers: ClinVar variation 4873993 (VCV004873993.2).